The following is an entry in ClinVar:

NM_000059.4(BRCA2):c.632-10del

Gene: BRCA2 (BRCA2 DNA repair associated; plus strand). Cytogenetic location: 13q13.1.
Variant type: Deletion.
Coding change: c.632-10del on transcript NM_000059.4 (MANE Select); 10 bases into the intron before coding-DNA position 632, one base deleted (T; older notation c.632-10delT).
Molecular consequence: intron variant.
Genome position (GRCh38, 1-based): chr13:32,329,433, T deleted; the last of 5 consecutive T bases (chr13:32,329,429-32,329,433); deleting any one gives the same sequence. VCF-style (leftmost placement, unchanged base first): chr13-32329428-AT-A. GRCh37 (hg19) VCF-style: chr13-32903565-AT-A.
Other names: IVS7-10delT; c.632-10delT (NM_000059.3).
Identifiers: ClinVar variation 96836 (VCV000096836.12), dbSNP rs431825340, ClinGen allele CA023874.
Genomic context (GRCh38, chr13:32,329,428, plus strand): 5'-TTTTGATGTCTGACAAAAAATAAGTTTTTGCATTCTAGTGATAATATACAATACACATAA[AT>A]TTTTATCTTACAGTCAGAAATGAAGAAGCATCTGAAACTGTATTTCCTCATGATACTACT-3'

ClinVar aggregate classification (germline): Benign/Likely benign. Review status: criteria provided, multiple submitters, no conflicts (2 of 4 stars). 4 submissions from 4 submitters: Benign (1); Likely benign (2). 1 of the submissions does not count toward it. Last evaluated 2020-11-10.

Conditions:
Hereditary cancer-predisposing syndrome. Also called: Hereditary Cancer Syndrome; Neoplastic Syndromes, Hereditary; Hereditary neoplastic syndrome; Tumor predisposition. Identifiers: Orphanet 140162, MedGen C0027672, MeSH D009386, MONDO:0015356.
Hereditary breast ovarian cancer syndrome. Also called: Breast and ovarian cancer; Hereditary breast and/or ovarian cancer syndrome; Hereditary breast and ovarian cancer; Hereditary breast and ovarian cancer syndrome; Hereditary breast and ovarian cancer syndrome (HBOC); BRCA1- and BRCA2-Associated Hereditary Breast and Ovarian Cancer. Identifiers: Orphanet 145, MedGen C0677776, MeSH D061325, MONDO:0003582. Disease mechanism: loss of function.
Breast-ovarian cancer, familial, susceptibility to, 2 (BROVCA2). Also called: BRCA2 Hereditary Breast and Ovarian Cancer. Identifiers: Orphanet 145, MedGen C2675520, MONDO:0012933, OMIM 612555. Disease mechanism: loss of function.

Submissions (4):

Labcorp Genetics (formerly Invitae), Labcorp
Classification: Benign for Hereditary breast ovarian cancer syndrome. Last evaluated: 2020-11-10. Review status: criteria provided, single submitter. Criteria: Invitae Variant Classification Sherloc (09022015). Collection method: clinical testing. Allele origin: germline.

GeneDx
Classification: Likely benign. Last evaluated: 2018-01-12. Review status: criteria provided, single submitter. Criteria: GeneDx Variant Classification (06012015). Collection method: clinical testing. Allele origin: germline. Affected: yes.
Comment: This variant is considered likely benign or benign based on one or more of the following criteria: it is a conservative change, it occurs at a poorly conserved position in the protein, it is predicted to be benign by multiple in silico algorithms, and/or has population frequency not consistent with disease.

Color Diagnostics, LLC DBA Color Health
Classification: Likely benign for Hereditary cancer-predisposing syndrome. Last evaluated: 2017-02-28. Review status: criteria provided, single submitter. Criteria: ACMG Guidelines, 2015. Collection method: clinical testing. Allele origin: germline.

Sharing Clinical Reports Project (SCRP)
Classification: Uncertain significance for Breast-ovarian cancer, familial 2. Last evaluated: 2012-05-01. Review status: no assertion criteria provided. Collection method: clinical testing. Allele origin: germline. Not counted in ClinVar's aggregate classification.